The following is an entry in ClinVar:

ClinVar aggregate classification (germline): Uncertain significance. Review status: criteria provided, single submitter (1 of 4 stars). 2 submissions from 2 submitters: Uncertain significance (1). 1 of the submissions does not count toward it. Last evaluated 2025-11-12.

Conditions:
ALMS1-related disorder. Also called: ALMS1-related condition.
Alstrom syndrome (ALMS). Identifiers: Orphanet 64, MedGen C0268425, MONDO:0008763, OMIM 203800.

Submissions (2):

Labcorp Genetics (formerly Invitae), Labcorp
Classification: Uncertain significance for Alstrom syndrome. Last evaluated: 2025-11-12. Review status: criteria provided, single submitter. Criteria: Invitae Variant Classification Sherloc (09022015). Collection method: clinical testing. Allele origin: germline.
Comment: This sequence change replaces valine, which is neutral and non-polar, with phenylalanine, which is neutral and non-polar, at codon 3964 of the ALMS1 protein (p.Val3964Phe). This variant is not present in population databases (gnomAD no frequency). This variant has not been reported in the literature in individuals affected with ALMS1-related conditions. ClinVar contains an entry for this variant (Variation ID: 337034). Experimental studies and prediction algorithms are not available or were not evaluated, and the functional significance of this variant is currently unknown. In summary, the available evidence is currently insufficient to determine the role of this variant in disease. Therefore, it has been classified as a Variant of Uncertain Significance.

PreventionGenetics, part of Exact Sciences
Classification: Uncertain significance for ALMS1-related condition. Last evaluated: 2024-05-25. Review status: no assertion criteria provided. Collection method: clinical testing. Allele origin: germline. Not counted in ClinVar's aggregate classification.
Comment: The ALMS1 c.11890G>T variant is predicted to result in the amino acid substitution p.Val3964Leu. To our knowledge, this variant has not been reported in the literature. This variant is reported in 0.013% of alleles in individuals of South Asian descent in gnomAD. At this time, the clinical significance of this variant is uncertain due to the absence of conclusive functional and genetic evidence.

NM_001378454.1(ALMS1):c.11887G>T (p.Val3963Phe)

Genes: ALMS1 (ALMS1 centrosome and basal body associated protein; plus strand), LOC126806252 (BRD4-independent group 4 enhancer GRCh37_chr2:73828496-73829695; plus strand). Cytogenetic location: 2p13.1.
Variant type: single nucleotide variant.
Coding change: c.11887G>T on transcript NM_001378454.1 (MANE Select); coding-DNA position 11887, G replaced by T.
Protein change: p.Val3963Phe; replaces valine 3963 with phenylalanine.
Molecular consequence: missense variant.
Genome position (GRCh38, 1-based): chr2:73,601,209, G>T. VCF-style: chr2-73601209-G-T. GRCh37 (hg19) VCF-style: chr2-73828336-G-T.
Other names: c.11890G>T, p.Val3964Phe (NM_015120.4); short protein forms V3964F, V3963F.
Identifiers: ClinVar variation 337034 (VCV000337034.7), dbSNP rs886056319, ClinGen allele CA10614379.
Genomic context (GRCh38, chr2:73,601,209, plus strand): 5'-AAAAAAGTGAAAAATCTGTGTTCCTTCTAAAAACTGTTTCCTGTAGGAGTTTCCTGGTTT[G>T]TTCCTGTGGAAAATGTGGAGTCTAGATCAAAGAAGGAAAACGTGCCTAACACTTGTGGCC-3'
Protein context (NP_001365383.1, residues 3953-3973): KNSHEGVSWF[Val3963Phe]PVENVESRSK